The following is an entry in ClinVar:

ClinVar aggregate classification (germline): Uncertain significance (1 of 4 stars; one submission).

Conditions:
EIF2S3-related disorder. Also called: EIF2S3-related condition.

Submission:

PreventionGenetics, part of Exact Sciences
Classification: Uncertain significance for EIF2S3-related condition. Last evaluated: 2025-11-07. Review status: criteria provided, single submitter. Criteria: ACMG Guidelines, 2015. Collection method: clinical testing. Allele origin: germline.
Comment: The EIF2S3 c.445G>A variant is predicted to result in the amino acid substitution p.Ala149Thr. To our knowledge, this variant has not been reported in the literature or in a large population database (gnomAD), indicating this variant is rare. At this time, the clinical significance of this variant is uncertain due to the absence of conclusive functional and genetic evidence.

NM_001415.4(EIF2S3):c.445G>A (p.Ala149Thr)

Gene: EIF2S3 (eukaryotic translation initiation factor 2 subunit gamma; plus strand). Cytogenetic location: Xp22.11.
Variant type: single nucleotide variant.
Coding change: c.445G>A on transcript NM_001415.4 (MANE Select); coding-DNA position 445, G replaced by A.
Protein change: p.Ala149Thr; replaces alanine 149 with threonine.
Molecular consequence: missense variant.
Genome position (GRCh38, 1-based): chrX:24,060,149, G>A. VCF-style: chrX-24060149-G-A. GRCh37 (hg19) VCF-style: chrX-24078266-G-A.
Other names: short protein forms A149T.
Identifiers: ClinVar variation 4980331 (VCV004980331.1).